The following is an entry in ClinVar:

NM_001358351.3(SEMA6D):c.2093A>G (p.His698Arg)

Gene: SEMA6D (semaphorin 6D; plus strand). Cytogenetic location: 15q21.1.
Variant type: single nucleotide variant.
Coding change: c.2093A>G on transcript NM_001358351.3 (MANE Select); coding-DNA position 2093, A replaced by G.
Protein change: p.His698Arg; replaces histidine 698 with arginine.
Molecular consequence: missense variant. On other transcripts: 3 prime UTR variant (1).
Genome position (GRCh38, 1-based): chr15:47,770,656, A>G. VCF-style: chr15-47770656-A-G. GRCh37 (hg19) VCF-style: chr15-48062853-A-G.
Other names: c.1907A>G, p.His636Arg (NM_001198999.2, NM_020858.2); c.2132A>G, p.His711Arg (NM_001358352.2); c.1868A>G, p.His623Arg (NM_153616.2); c.1925A>G, p.His642Arg (NM_153617.2); c.2093A>G, p.His698Arg (NM_153618.2); c.*109A>G (NM_153619.1); short protein forms H623R, H636R, H642R, H698R, H711R.
Identifiers: ClinVar variation 3043226 (VCV003043226.2), dbSNP rs146886309, ClinGen allele CA7545500.

ClinVar aggregate classification (germline): Likely benign (0 of 4 stars; one submission).

Conditions:
SEMA6D-related disorder. Also called: SEMA6D-related condition.

Allele frequency attached by ClinVar (database versions not stated): TOPMed 0.00021; ESP Exome Variant Server 0.00031; gnomAD 0.00033; gnomAD exomes 0.00056; ExAC 0.00068; 1000 Genomes Project 30x 0.00078; 1000 Genomes Project 0.00080.
gnomAD v4.1: 869 of 1,614,112 alleles (0.054%); highest among the groups gnomAD compares: South Asian, 0.24%; 2 homozygotes.

Submission:

PreventionGenetics, part of Exact Sciences
Classification: Likely benign for SEMA6D-related condition. Last evaluated: 2019-03-08. Review status: no assertion criteria provided. Collection method: clinical testing. Allele origin: germline.
Comment: This variant is classified as likely benign based on ACMG/AMP sequence variant interpretation guidelines (Richards et al. 2015 PMID: 25741868, with internal and published modifications).